The following is an entry in ClinVar:

NM_176787.5(PIGN):c.808T>C (p.Ser270Pro)

Gene: PIGN (phosphatidylinositol glycan anchor biosynthesis class N; minus strand). Cytogenetic location: 18q21.33.
Variant type: single nucleotide variant.
Coding change: c.808T>C on transcript NM_176787.5 (MANE Select); coding-DNA position 808, T replaced by C.
Protein change: p.Ser270Pro; replaces serine 270 with proline.
Molecular consequence: missense variant.
Genome position (GRCh38, 1-based): chr18:62,146,023, A>G on the plus strand (T>C on the coding strand, the complement: PIGN is on the minus strand). VCF-style: chr18-62146023-A-G. GRCh37 (hg19) VCF-style: chr18-59813256-A-G.
Other names: c.808T>C, p.Ser270Pro (NM_012327.6); short protein forms S270P.
Identifiers: ClinVar variation 101047 (VCV000101047.8), dbSNP rs587777186, ClinGen allele CA150714.
Genomic context (GRCh38, chr18:62,146,023, plus strand): 5'-TTCCAGCTCCCCAAGTGACTAAAGGAGTTAAAGTCTCTGAAGGATGACCAGCCCCATGGG[A>G]ACCTACAAATAAGATATAAAGAATAATAAGACAAATATAGAAGAACTAACTTACAACTAA-3'
Protein context (NP_789744.1, residues 260-280): TSDHGMTDWG[Ser270Pro]HGAGHPSETL

ClinVar aggregate classification (germline): Pathogenic. Review status: criteria provided, single submitter (1 of 4 stars). 2 submissions from 2 submitters: Pathogenic (1). 1 of the submissions does not count toward it. Last evaluated 2023-01-13.

Conditions:
Multiple congenital anomalies-hypotonia-seizures syndrome 1 (MCAHS1). Also called: PIGN-CDG; Congenital disorder of glycosylation due to PIGN deficiency; GLYCOSYLPHOSPHATIDYLINOSITOL BIOSYNTHESIS DEFECT 3. Identifiers: Orphanet 280633, MedGen C3279775, MONDO:0013563, OMIM 614080.

gnomAD v4.1: 2 of 1,449,630 alleles (0.00014%); highest among the groups gnomAD compares: East Asian, 0.0046%; no homozygotes.

Submissions (2):

Labcorp Genetics (formerly Invitae), Labcorp
Classification: Pathogenic for Multiple congenital anomalies-hypotonia-seizures syndrome 1. Last evaluated: 2023-01-13. Review status: criteria provided, single submitter. Criteria: Invitae Variant Classification Sherloc (09022015). Collection method: clinical testing. Allele origin: germline.
Comment: This sequence change replaces serine, which is neutral and polar, with proline, which is neutral and non-polar, at codon 270 of the PIGN protein (p.Ser270Pro). This variant is not present in population databases (gnomAD no frequency). This missense change has been observed in individual(s) with multiple congenital anomalies, hypotonia, and seizures (PMID: 24253414, 26419326). In at least one individual the data is consistent with being in trans (on the opposite chromosome) from a pathogenic variant. It has also been observed to segregate with disease in related individuals. ClinVar contains an entry for this variant (Variation ID: 101047). Algorithms developed to predict the effect of missense changes on protein structure and function are either unavailable or do not agree on the potential impact of this missense change (SIFT: "Tolerated"; PolyPhen-2: "Possibly Damaging"; Align-GVGD: "Class C0"). Experimental studies have shown that this missense change affects PIGN function (PMID: 24253414). For these reasons, this variant has been classified as Pathogenic.

OMIM
Classification: Pathogenic for MULTIPLE CONGENITAL ANOMALIES-HYPOTONIA-SEIZURES SYNDROME 1. Last evaluated: 2013-11-20. Review status: no assertion criteria provided. Collection method: literature only. Allele origin: germline. Not counted in ClinVar's aggregate classification.

Literature cited by the submitters: PubMed 24253414 (cited by Labcorp Genetics (formerly Invitae), Labcorp and OMIM); PubMed 26419326 (cited by Labcorp Genetics (formerly Invitae), Labcorp and OMIM).